The following is an entry in ClinVar:

NM_000088.4(COL1A1):c.2089C>T (p.Arg697Ter)

Gene: COL1A1 (collagen type I alpha 1 chain; minus strand). Cytogenetic location: 17q21.33.
Variant type: single nucleotide variant.
Coding change: c.2089C>T on transcript NM_000088.4 (MANE Select); coding-DNA position 2089, C replaced by T.
Protein change: p.Arg697Ter; replaces arginine 697 with a stop codon.
Molecular consequence: nonsense.
Genome position (GRCh38, 1-based): chr17:50,191,826, G>A on the plus strand (C>T on the coding strand, the complement: COL1A1 is on the minus strand). VCF-style: chr17-50191826-G-A. GRCh37 (hg19) VCF-style: chr17-48269187-G-A.
Other names: c.2089C>T (LRG_1t1); short protein forms R697*.
Identifiers: ClinVar variation 287320 (VCV000287320.25), dbSNP rs72651642, ClinGen allele CA10605745.

ClinVar aggregate classification (germline): Pathogenic. Review status: criteria provided, multiple submitters, no conflicts (2 of 4 stars). 12 submissions from 11 submitters: Pathogenic (10). 2 of the submissions do not count toward it. Last evaluated 2025-07-16.

Conditions:
Infantile cortical hyperostosis. Also called: Caffey Disease; P1PK BLOOD GROUP SYSTEM, P(2) PHENOTYPE; Hyperostosis, Cortical, Congenital. Identifiers: Orphanet 1310, MedGen C0020497, MONDO:0007244, OMIM 114000.
Ehlers-Danlos syndrome, arthrochalasia type. Also called: ARTHROCHALASIS MULTIPLEX CONGENITA; EDS VII, MUTANT PROCOLLAGEN TYPE; EDS VIIA; Ehlers-Danlos syndrome, arthrochalasia type, 1; Ehlers-Danlos syndrome, arthrochalasis type. Identifiers: Orphanet 1899, Orphanet 99875, Orphanet 99876, MedGen C4551623, MONDO:0007525, OMIM 130060.
Osteoporosis. Identifiers: MedGen C0029456, MONDO:0005298, OMIM 166710, HP:0000939.
Combined osteogenesis imperfecta and Ehlers-Danlos syndrome 1. Also called: OIEDS SYNDROME 1. Identifiers: MedGen C5436842, MONDO:0030854, OMIM 619115.
Osteogenesis imperfecta, perinatal lethal (OI2). Also called: OI, TYPE II; OSTEOGENESIS IMPERFECTA CONGENITA; VROLIK TYPE OF OSTEOGENESIS IMPERFECTA; Osteogenesis imperfecta, dominant perinatal lethal; OSTEOGENESIS IMPERFECTA, TYPE II; Osteogenesis imperfecta type 2. Identifiers: Orphanet 216804, MedGen C0268358, MONDO:0008147, OMIM 166210.
Osteogenesis imperfecta type III (OI3). Also called: Osteogenesis imperfecta type 3; OI type 3; Osteogenesis imperfecta, progressively deforming with normal sclerae; OI type III; Progressively Deforming Osteogenesis Imperfecta. Identifiers: Orphanet 216812, Orphanet 666, MedGen C0268362, MONDO:0009804, OMIM 259420.
Osteogenesis imperfecta type I (OI1). Also called: OI, TYPE I; OSTEOGENESIS IMPERFECTA TARDA; OSTEOGENESIS IMPERFECTA WITH BLUE SCLERAE; Osteogenesis imperfecta type 1; Lobstein's Disease; Classic Non-deforming Osteogenesis Imperfecta with Blue Sclerae. Identifiers: Orphanet 216796, Orphanet 666, MedGen C0023931, MONDO:0008146, OMIM 166200. Disease mechanism: loss of function.
Osteogenesis imperfecta with normal sclerae, dominant form (OI4). Also called: OSTEOGENESIS IMPERFECTA WITH NORMAL SCLERAE; OSTEOGENESIS IMPERFECTA, TYPE IV, WITH DENTINOGENESIS IMPERFECTA; Osteogenesis Imperfecta Type IV; Osteogenesis imperfecta type 4; Common Variable Osteogenesis Imperfecta with Normal Sclerae. Identifiers: Orphanet 216820, Orphanet 666, MedGen C0268363, MONDO:0008148, OMIM 166220.
COL1A1-related disorder. Also called: COL1A1- related disease; COL1A1-related condition.
Postmenopausal osteoporosis. Also called: BONE MINERAL DENSITY QUANTITATIVE TRAIT LOCUS; OSTEOPOROSIS, INVOLUTIONAL. Identifiers: MedGen C0029458, MONDO:0008159.

Allele frequency attached by ClinVar (database versions not stated): gnomAD 0.00001.

Submissions (12):

Clinical Biomedical Laboratory, Shriners Hospital For Children - Canada
Classification: Pathogenic for Osteogenesis imperfecta type I. Last evaluated: 2025-07-16. Review status: criteria provided, single submitter. Criteria: ACMG Guidelines, 2015. Collection method: clinical testing. Allele origin: germline. Affected: yes.
Comment: This variant is predicted to introduce a premature translational stop signal in exon 31 of COL1A1 and is expected to lead to degradation of the affected transcript. Loss-of-function variants in COL1A1 are an established cause of osteogenesis imperfecta (PMID: 27509835). This variant is very rare in the Genome Aggregation Database (v2.1.1). We have observed this variant in the Shriners Hospital for Children Canada variant database in an unrelated individual with a diagnosis of osteogenesis imperfecta.

Labcorp Genetics (formerly Invitae), Labcorp
Classification: Pathogenic for Osteogenesis imperfecta type I. Last evaluated: 2025-04-11. Review status: criteria provided, single submitter. Criteria: Invitae Variant Classification Sherloc (09022015). Collection method: clinical testing. Allele origin: germline.
Comment: This sequence change creates a premature translational stop signal (p.Arg697*) in the COL1A1 gene. It is expected to result in an absent or disrupted protein product. Loss-of-function variants in COL1A1 are known to be pathogenic (PMID: 7942841, 9295084, 9443882). This variant is present in population databases (rs72651642, gnomAD 0.007%). This premature translational stop signal has been observed in individuals with osteogenesis imperfecta (PMID: 8808594, 21667357, 28378289). ClinVar contains an entry for this variant (Variation ID: 287320). For these reasons, this variant has been classified as Pathogenic.

3billion
Classification: Pathogenic for COL1A1-related disorder. Last evaluated: 2025-03-28. Review status: criteria provided, single submitter. Criteria: ACMG Guidelines, 2015. Collection method: clinical testing. Allele origin: germline. Affected: yes.
Comment: The variant is observed at an extremely low frequency in the gnomAD v4.1.0 dataset (total allele frequency: <0.001%). Predicted Consequence/Location: Stop-gained (nonsense): predicted to result in a loss or disruption of normal protein function through nonsense-mediated decay (NMD) or protein truncation. Multiple pathogenic variants are reported downstream of the variant.The variant has been reported at least twice as pathogenic with clinical assertions and evidence for the classification (ClinVar ID: VCV000287320 / PMID: 8808594 / 3billion dataset). Therefore, this variant is classified as Pathogenic according to the recommendation of ACMG/AMP guideline.

Genomic Medicine Center of Excellence, King Faisal Specialist Hospital and Research Centre
Classification: Pathogenic for Osteogenesis imperfecta type I. Last evaluated: 2024-09-22. Review status: criteria provided, single submitter. Criteria: ACMG Guidelines, 2015. Collection method: clinical testing. Allele origin: germline.

GeneDx
Classification: Pathogenic. Last evaluated: 2024-08-28. Review status: criteria provided, single submitter. Criteria: GeneDx Variant Classification Process June 2021. Collection method: clinical testing. Allele origin: germline. Affected: yes.
Comment: Nonsense variant predicted to result in protein truncation or nonsense mediated decay in a gene for which loss-of-function is a known mechanism of disease; Not observed at significant frequency in large population cohorts (gnomAD); This variant is associated with the following publications: (PMID: 28378289, 33939306, 27510842, 8808594, 21667357, 25944380, 30715774, 37270749, 35909573, 9443882, 28810924, 32166892, 37334733, 36951356)

Revvity Omics, Revvity
Classification: Pathogenic. Last evaluated: 2024-03-11. Review status: criteria provided, single submitter. Criteria: ACMG Guidelines, 2015. Collection method: clinical testing. Allele origin: germline.

Blueprint Genetics
Classification: Pathogenic for COL1A1-related disorders. Last evaluated: 2020-09-04. Review status: criteria provided, single submitter. Criteria: ACMG Guidelines, 2015. Collection method: clinical testing. Allele origin: germline. Affected: yes. Observed: 3 variant alleles.

Fulgent Genetics
Classification: Pathogenic for Infantile cortical hyperostosis; Ehlers-Danlos syndrome, arthrochalasia type; Osteogenesis imperfecta type I; Osteogenesis imperfecta, perinatal lethal; Osteogenesis imperfecta with normal sclerae, dominant form; Osteoporosis; Osteogenesis imperfecta type III. Last evaluated: 2018-10-31. Review status: criteria provided, single submitter. Criteria: ACMG Guidelines, 2015. Collection method: clinical testing. Allele origin: unknown.

Eurofins Ntd Llc (ga)
Classification: Pathogenic. Last evaluated: 2016-04-01. Review status: criteria provided, single submitter. Criteria: EGL Classification Definitions 2015. Collection method: clinical testing. Allele origin: germline. Observed: 2 variant alleles, 2 heterozygotes.

Juno Genomics, Hangzhou Juno Genomics, Inc
Classification: Pathogenic for Osteoporosis; Infantile cortical hyperostosis; Combined osteogenesis imperfecta and Ehlers-Danlos syndrome 1; Ehlers-Danlos syndrome, arthrochalasia type; Osteogenesis imperfecta type I; Osteogenesis imperfecta, perinatal lethal; Osteogenesis imperfecta type III; Osteogenesis imperfecta with normal sclerae, dominant form. Review status: criteria provided, single submitter. Criteria: ACMG Guidelines, 2015. Collection method: clinical testing. Allele origin: germline. Affected: yes.
Comment: Absent from controls (or at extremely low frequency if recessive) in Genome Aggregation Database, Exome Sequencing Project, 1000 Genomes Project, or Exome Aggregation Consortium.;Null variant in a gene where loss of function (LOF) is a known mechanism of disease.;The prevalence of the variant in affected individuals is significantly increased compared to the prevalence in controls.;Assumed de novo, but without confirmation of paternity and maternity.;Patient's phenotype or family history is highly specific for a disease with a single genetic etiology.

Department of Medical Sciences, Uppsala University
Classification: Pathogenic for OI type IV. Review status: no assertion criteria provided. Collection method: clinical testing. Allele origin: paternal. Affected: yes. Observed: 1 variant allele. Not counted in ClinVar's aggregate classification.

Department of Medical Sciences, Uppsala University
Classification: Pathogenic for OI type I. Review status: no assertion criteria provided. Collection method: clinical testing. Allele origin: maternal. Affected: yes. Observed: 1 variant allele. Not counted in ClinVar's aggregate classification.

Literature cited by the submitters: PubMed 27509835 (cited by Clinical Biomedical Laboratory, Shriners Hospital For Children - Canada); PubMed 7942841 (cited by Labcorp Genetics (formerly Invitae), Labcorp); PubMed 9295084 (cited by Labcorp Genetics (formerly Invitae), Labcorp); PubMed 9443882 (cited by Labcorp Genetics (formerly Invitae), Labcorp); PubMed 8808594 (cited by Labcorp Genetics (formerly Invitae), Labcorp and 3billion); PubMed 21667357 (cited by Labcorp Genetics (formerly Invitae), Labcorp); PubMed 28378289 (cited by Labcorp Genetics (formerly Invitae), Labcorp); PubMed 25944380 (cited by Department of Medical Sciences, Uppsala University).